The following is an entry in ClinVar:

NM_001267550.2(TTN):c.31594G>A (p.Val10532Ile)

Gene: TTN (titin; minus strand). Cytogenetic location: 2q31.2.
Variant type: single nucleotide variant.
Coding change: c.31594G>A on transcript NM_001267550.2 (MANE Select); coding-DNA position 31594, G replaced by A.
Protein change: p.Val10532Ile; replaces valine 10532 with isoleucine.
Molecular consequence: missense variant. On other transcripts: intron variant (3).
Genome position (GRCh38, 1-based): chr2:178,693,609, C>T on the plus strand (G>A on the coding strand, the complement: TTN is on the minus strand). VCF-style: chr2-178693609-C-T. GRCh37 (hg19) VCF-style: chr2-179558336-C-T.
Other names: p.V10215I:GTC>ATC; p.Val10215Ile; c.30643G>A, p.Val10215Ile (NM_001256850.1); c.27862G>A, p.Val9288Ile (NM_133378.4); c.13282+44473G>A (NM_003319.4); c.13858+44473G>A (NM_133437.4); c.13657+44473G>A (NM_133432.3); short protein forms V10215I, V10532I, V9288I.
Identifiers: ClinVar variation 202358 (VCV000202358.39), dbSNP rs763955552, ClinGen allele CA309193.

ClinVar aggregate classification (germline): Uncertain significance. Review status: criteria provided, multiple submitters, no conflicts (2 of 4 stars). 11 submissions from 11 submitters: Uncertain significance (11). Last evaluated 2026-08-06.

Conditions:
TTN-related disorder. Also called: TTN-related disorders; TTN-related condition; TTN-related disease.
Dilated cardiomyopathy 1G (CMD1G). Identifiers: Orphanet 154, MedGen C1858763, MONDO:0011400, OMIM 604145.
Autosomal recessive limb-girdle muscular dystrophy type 2J (LGMDR10). Also called: MUSCULAR DYSTROPHY, LIMB-GIRDLE, AUTOSOMAL RECESSIVE 10; Limb-girdle muscular dystrophy, type 2J. Identifiers: Orphanet 140922, MedGen C1837342, MONDO:0012127, OMIM 608807.
Tibial muscular dystrophy (TMD). Also called: Udd Distal Myopathy – Tibial Muscular Dystrophy; Tibial muscular dystrophy, tardive; UDD MYOPATHY. Identifiers: Orphanet 609, MedGen C1838244, MONDO:0010870, OMIM 600334.
Myopathy, myofibrillar, 9, with early respiratory failure (MFM9). Also called: Hereditary myopathy with early respiratory failure; EDSTROM MYOPATHY; Myopathy, distal, with early respiratory failure, autosomal dominant; MYOPATHY, PROXIMAL, WITH EARLY RESPIRATORY MUSCLE INVOLVEMENT. Identifiers: Orphanet 178464, Orphanet 34521, MedGen C1863599, MONDO:0011362, OMIM 603689.
Early-onset myopathy with fatal cardiomyopathy (CMYO5). Also called: CONGENITAL MYOPATHY 5 WITH CARDIOMYOPATHY; Salih Myopathy. Identifiers: Orphanet 289377, MedGen C2673677, MONDO:0012714, OMIM 611705. Disease mechanism: loss of function.
Hypertrophic cardiomyopathy 9. Also called: Familial hypertrophic cardiomyopathy 9. Identifiers: MedGen C1861065, MONDO:0013412, OMIM 613765.

Allele frequency attached by ClinVar (database versions not stated): TOPMed 0.00009; gnomAD 0.00003.
gnomAD v4.1: 325 of 1,581,414 alleles (0.021%); highest among the groups gnomAD compares: Non-Finnish European, 0.026%; no homozygotes.

Submissions (11):

PreventionGenetics, part of Exact Sciences
Classification: Uncertain significance for TTN-related condition. Last evaluated: 2026-08-06. Review status: criteria provided, single submitter. Criteria: ACMG Guidelines, 2015. Collection method: clinical testing. Allele origin: germline.
Comment: The TTN c.31594G>A variant is predicted to result in the amino acid substitution p.Val10532Ile. This variant has been reported in at least one individual with non-compaction cardiomyopathy (Online Table 3, van Waning et al. 2018. PubMed ID: 29447731). This variant is located at the final nucleotide of this exon and is predicted to disrupt splicing at the adjacent canonical GT donor site (SpliceAI, Jaganathan et al. 2019. PubMed ID: 30661751); however, the use of computer prediction programs is not equivalent to functional evidence. This variant is reported in 0.018% of alleles in individuals of European (non-Finnish) descent in gnomAD. At this time, the clinical significance of this variant is uncertain due to the absence of conclusive functional and genetic evidence.

Women's Health and Genetics/Laboratory Corporation of America, LabCorp
Classification: Uncertain significance. Last evaluated: 2026-06-26. Review status: criteria provided, single submitter. Criteria: LabCorp Variant Classification Summary - May 2015. Collection method: clinical testing. Allele origin: germline.
Comment: Variant summary: TTN c.27862G>A (p.Val9288Ile) results in a conservative amino acid change in the encoded protein sequence. Algorithms developed to predict the effect of missense changes on protein structure and function all suggest that this variant is likely to be tolerated. Several computational tools predict a significant impact on normal splicing: Three predict the variant abolishes a 5 splicing donor site. However, these predictions have yet to be confirmed by functional studies. The variant allele was found at a frequency of 0.00011 in 238548 control chromosomes. This frequency is not significantly higher than estimated for disease-causing variants in TTN, allowing no conclusion about variant significance. c.27862G>A has been observed in individual(s) affected with TTN-related conditions (Wanning_2018). These report(s) do not provide unequivocal conclusions about association of the variant with disease. To our knowledge, no experimental evidence demonstrating an impact on protein function has been reported. The following publication have been ascertained in the context of this evaluation (PMID: 29447731). ClinVar contains an entry for this variant (Variation ID: 202358). Based on the evidence outlined above, the variant was classified as uncertain significance.

Mayo Clinic Laboratories, Mayo Clinic
Classification: Uncertain significance. Last evaluated: 2025-08-26. Review status: criteria provided, single submitter. Criteria: ACMG Guidelines, 2015. Collection method: clinical testing. Allele origin: germline. Observed: 2 variant alleles.
Comment: BP1, PVS1_moderate

GeneDx
Classification: Uncertain significance. Last evaluated: 2025-03-17. Review status: criteria provided, single submitter. Criteria: GeneDx Variant Classification Process June 2021. Collection method: clinical testing. Allele origin: germline. Affected: yes.
Comment: Reported in association with noncompaction cardiomyopathy (NCCM) in published literature (PMID: 29447731); In silico analysis supports a deleterious effect on splicing; This variant is associated with the following publications: (PMID: 29447731)

Labcorp Genetics (formerly Invitae), Labcorp
Classification: Uncertain significance for Dilated cardiomyopathy 1G; Autosomal recessive limb-girdle muscular dystrophy type 2J. Last evaluated: 2025-01-06. Review status: criteria provided, single submitter. Criteria: Invitae Variant Classification Sherloc (09022015). Collection method: clinical testing. Allele origin: germline.
Comment: This sequence change replaces valine, which is neutral and non-polar, with isoleucine, which is neutral and non-polar, at codon 10532 of the TTN protein (p.Val10532Ile). This variant also falls at the last nucleotide of exon 119, which is part of the consensus splice site for this exon. This variant is present in population databases (rs763955552, gnomAD 0.02%). This missense change has been observed in individual(s) with noncompaction cardiomyopathy (PMID: 29447731). ClinVar contains an entry for this variant (Variation ID: 202358). Experimental studies and prediction algorithms are not available or were not evaluated, and the functional significance of this variant is currently unknown. Variants that disrupt the consensus splice site are a relatively common cause of aberrant splicing (PMID: 17576681, 9536098). Algorithms developed to predict the effect of sequence changes on RNA splicing suggest that this variant may disrupt the consensus splice site. This variant is located in the I band of TTN (PMID: 25589632). Non-truncating variants in this region may be clinically relevant, but have not been definitively shown to cause cardiomyopathy or neuromuscular disease (PMID: 27493940, 32778822). In summary, the available evidence is currently insufficient to determine the role of this variant in disease. Therefore, it has been classified as a Variant of Uncertain Significance.

Blueprint Genetics
Classification: Uncertain significance. Last evaluated: 2024-06-24. Review status: criteria provided, single submitter. Criteria: ACMG Guidelines, 2015. Collection method: clinical testing. Allele origin: germline.

Pittsburgh Clinical Genomics Laboratory, University of Pittsburgh Medical Center
Classification: Uncertain significance for Early-onset myopathy with fatal cardiomyopathy. Last evaluated: 2023-04-03. Review status: criteria provided, single submitter. Criteria: ACMG Guidelines, 2015. Collection method: clinical testing. Allele origin: germline. Inheritance: Autosomal unknown. Affected: yes.
Comment: This sequence variant is a single nucleotide substitution (G>A) at coding postion 31594 of the TTN gene that results in a valine to isoleucine amino acid change at residue 10532 of the Titin protein. This is a previously reported variant (ClinVar) that has not been observed in the literature in indivudials with TTN-related illness, to our knowledge. This variant is present in the gnomAD population database (27 of 269932 allele or 0.01%). Bioinformatic tools that predict the effects of missense variants produce mixed predictions as to whether this variant would be damaging or tolerated. Tools that predict splicing find that this variant would significantly affect the splice donor site for exon 119 as it replaces the last nucleotide of the exon which is highly conserved. Functiol studies confirming an effect for this variant on protein activity or gene splicing have not been performed, to our knowledge. At this time, there is insufficient evidence to determine if this variant is pathogenic or benign. Therefore, we consider this to be a variant of uncertain significance. ACMG Criteria: PP3

Revvity Omics, Revvity
Classification: Uncertain significance. Last evaluated: 2023-03-30. Review status: criteria provided, single submitter. Criteria: ACMG Guidelines, 2015. Collection method: clinical testing. Allele origin: germline.

Fulgent Genetics
Classification: Uncertain significance for Tibial muscular dystrophy; Myopathy, myofibrillar, 9, with early respiratory failure; Dilated cardiomyopathy 1G; Autosomal recessive limb-girdle muscular dystrophy type 2J; Early-onset myopathy with fatal cardiomyopathy; Hypertrophic cardiomyopathy 9. Last evaluated: 2021-11-02. Review status: criteria provided, single submitter. Criteria: ACMG Guidelines, 2015. Collection method: clinical testing. Allele origin: unknown.

Eurofins Ntd Llc (ga)
Classification: Uncertain significance. Last evaluated: 2017-12-05. Review status: criteria provided, single submitter. Criteria: EGL Classification Definitions 2015. Collection method: clinical testing. Allele origin: germline. Observed: 3 variant alleles, 3 heterozygotes.

Agnes Ginges Centre for Molecular Cardiology, Centenary Institute
Classification: Uncertain significance for Dilated cardiomyopathy 1G. Last evaluated: 2017-09-12. Review status: criteria provided, single submitter. Criteria: ACMG Guidelines, 2015. Collection method: research. Allele origin: germline. Affected: yes.
Comment: The TTN Val10532Ile variant has not been previously reported in any cardiac condition. The variant is present in the Exome Aggregation Consortium dataset, at an allele frequency >0.00008 which is higher then expected for an inherited heart condition. Computational tool PolyPhen2 predicts the variant to be "possibly-damaging", however MutationTaster predicts this variant to be a "polymorphism". In summary the evidence for the pathogenicity of this variant is lacking, therefore we classify TTN Val10532Ile as a variant of 'uncertain significance'.

Literature cited by the submitters: PubMed 29447731 (cited by Women's Health and Genetics/Laboratory Corporation of America, LabCorp and Labcorp Genetics (formerly Invitae), Labcorp); PubMed 17576681 (cited by Labcorp Genetics (formerly Invitae), Labcorp); PubMed 9536098 (cited by Labcorp Genetics (formerly Invitae), Labcorp); PubMed 25589632 (cited by Labcorp Genetics (formerly Invitae), Labcorp); PubMed 27493940 (cited by Labcorp Genetics (formerly Invitae), Labcorp); PubMed 32778822 (cited by Labcorp Genetics (formerly Invitae), Labcorp).